The following is an entry in ClinVar:

NM_006767.4(LZTR1):c.594-105_594-14dup

Gene: LZTR1 (leucine zipper like transcription regulator 1; plus strand). Cytogenetic location: 22q11.21.
Variant type: Duplication.
Coding change: c.594-105_594-14dup on transcript NM_006767.4 (MANE Select); 105 bases into the intron before coding-DNA position 594 through 14 bases into the intron before coding-DNA position 594, 92 bases duplicated.
Molecular consequence: intron variant.
Genome position (GRCh38, 1-based): chr22:20,989,520-20,989,611, 92 bases duplicated. GRCh37 (hg19): chr22:21,343,809-21,343,900.
Identifiers: ClinVar variation 928948 (VCV000928948.1), dbSNP rs1924518604, ClinGen allele CA1139666971.

ClinVar aggregate classification (germline): Uncertain significance (1 of 4 stars; one submission).

Submission:

Women's Health and Genetics/Laboratory Corporation of America, LabCorp
Classification: Uncertain significance. Last evaluated: 2019-12-30. Review status: criteria provided, single submitter. Criteria: LabCorp Variant Classification Summary - May 2015. Collection method: clinical testing. Allele origin: germline.
Comment: Variant summary: LZTR1 c.594-105_594-14dup92 alters a nucleotide located close to a canonical splice site and therefore could affect mRNA splicing, leading to a significantly altered protein sequence. 4/4 computational tools predict no significant impact on normal splicing. However, these predictions have yet to be confirmed by functional studies. The variant was absent in 31394 control chromosomes. The available data on variant occurrences in the general population are insufficient to allow any conclusion about variant significance. To our knowledge, no occurrence of c.594-105_594-14dup92 in individuals affected with Noonan Syndrome and Related Conditions and no experimental evidence demonstrating its impact on protein function have been reported. No clinical diagnostic laboratories have submitted clinical-significance assessments for this variant to ClinVar after 2014. Based on the evidence outlined above, the variant was classified as uncertain significance.